The following is an entry in ClinVar:

ClinVar aggregate classification (germline): Uncertain significance. Review status: criteria provided, multiple submitters, no conflicts (2 of 4 stars). 2 submissions from 2 submitters: Uncertain significance (2). Last evaluated 2024-05-22.

Conditions:
Idiopathic generalized epilepsy. Also called: Generalised epilepsy; EIG. Identifiers: MedGen C0270850, MONDO:0005579, OMIM 600669.
Hyperaldosteronism, familial, type IV (HALD4). Also called: FH IV; ALDOSTERONISM, PRIMARY, AND HYPERTENSION. Identifiers: Orphanet 642671, MedGen C4310756, MONDO:0014875, OMIM 617027.
Epilepsy, childhood absence, susceptibility to, 6. Identifiers: Orphanet 64280, MedGen C2749872, MONDO:0012763, OMIM 611942.

Allele frequency attached by ClinVar (database versions not stated): gnomAD exomes below 0.00001; gnomAD 0.00002; TOPMed 0.00002; 1000 Genomes Project 0.00020; 1000 Genomes Project 30x 0.00031.
gnomAD v4.1: 7 of 1,560,136 alleles (0.00045%); highest among the groups gnomAD compares: African/African-American, 0.0041%; no homozygotes.

Submissions (2):

Fulgent Genetics
Classification: Uncertain significance for Epilepsy, childhood absence, susceptibility to, 6; Hyperaldosteronism, familial, type IV. Last evaluated: 2024-05-22. Review status: criteria provided, single submitter. Criteria: ACMG Guidelines, 2015. Collection method: clinical testing. Allele origin: germline.

Labcorp Genetics (formerly Invitae), Labcorp
Classification: Uncertain significance for Idiopathic generalized epilepsy; Hyperaldosteronism, familial, type IV. Last evaluated: 2022-03-26. Review status: criteria provided, single submitter. Criteria: Invitae Variant Classification Sherloc (09022015). Collection method: clinical testing. Allele origin: germline.
Comment: This sequence change replaces glutamic acid, which is acidic and polar, with lysine, which is basic and polar, at codon 1270 of the CACNA1H protein (p.Glu1270Lys). The frequency data for this variant in the population databases is considered unreliable, as metrics indicate poor data quality at this position in the gnomAD database. This variant has not been reported in the literature in individuals affected with CACNA1H-related conditions. Advanced modeling of protein sequence and biophysical properties (such as structural, functional, and spatial information, amino acid conservation, physicochemical variation, residue mobility, and thermodynamic stability) performed at Invitae indicates that this missense variant is not expected to disrupt CACNA1H protein function. In summary, the available evidence is currently insufficient to determine the role of this variant in disease. Therefore, it has been classified as a Variant of Uncertain Significance.

NM_021098.3(CACNA1H):c.3808G>A (p.Glu1270Lys)

Gene: CACNA1H (calcium voltage-gated channel subunit alpha1 H; plus strand). Cytogenetic location: 16p13.3.
Variant type: single nucleotide variant.
Coding change: c.3808G>A on transcript NM_021098.3 (MANE Select); coding-DNA position 3808, G replaced by A.
Protein change: p.Glu1270Lys; replaces glutamic acid 1270 with lysine.
Molecular consequence: missense variant.
Genome position (GRCh38, 1-based): chr16:1,210,098, G>A. VCF-style: chr16-1210098-G-A. GRCh37 (hg19) VCF-style: chr16-1260098-G-A.
Other names: c.3808G>A, p.Glu1270Lys (NM_001005407.2); short protein forms E1270K.
Identifiers: ClinVar variation 2050216 (VCV002050216.5), dbSNP rs545971270, ClinGen allele CA7800940.